The following is an entry in ClinVar:

NM_025243.4(SLC19A3):c.169C>A (p.Pro57Thr)

Gene: SLC19A3 (solute carrier family 19 member 3; minus strand). Cytogenetic location: 2q36.3.
Variant type: single nucleotide variant.
Coding change: c.169C>A on transcript NM_025243.4 (MANE Select); coding-DNA position 169, C replaced by A.
Protein change: p.Pro57Thr; replaces proline 57 with threonine.
Molecular consequence: missense variant.
Genome position (GRCh38, 1-based): chr2:227,699,546, G>T on the plus strand (C>A on the coding strand, the complement: SLC19A3 is on the minus strand). VCF-style: chr2-227699546-G-T. GRCh37 (hg19) VCF-style: chr2-228564262-G-T.
Other names: c.169C>A, p.Pro57Thr (NM_001371411.1, NM_001371412.1); c.157C>A, p.Pro53Thr (NM_001371413.1, NM_001371414.1); short protein forms P53T, P57T.
Identifiers: ClinVar variation 947413 (VCV000947413.10), dbSNP rs1695593996, ClinGen allele CA350877784.

ClinVar aggregate classification (germline): Uncertain significance (1 of 4 stars; one submission).

Conditions:
Biotin-responsive basal ganglia disease (BTBGD). Also called: THIAMINE METABOLISM DYSFUNCTION SYNDROME 2 (BIOTIN- AND THIAMINE-RESPONSIVE TYPE); Thiamine metabolism dysfunction syndrome 2 (biotin- or thiamine-responsive encephalopathy type 2); Thiamine Transporter-2 Deficiency; thiamine-responsive encephalopathy; Thiamine metabolism dysfunction syndrome type 2. Identifiers: Orphanet 199348, Orphanet 65284, MedGen C1843807, MONDO:0011841, OMIM 607483.

Submission:

Labcorp Genetics (formerly Invitae), Labcorp
Classification: Uncertain significance for Biotin-responsive basal ganglia disease. Last evaluated: 2019-06-13. Review status: criteria provided, single submitter. Criteria: Invitae Variant Classification Sherloc (09022015). Collection method: clinical testing. Allele origin: germline.
Comment: This variant is not present in population databases (ExAC no frequency). This variant has not been reported in the literature in individuals with SLC19A3-related conditions. This sequence change replaces proline with threonine at codon 57 of the SLC19A3 protein (p.Pro57Thr). The proline residue is highly conserved and there is a small physicochemical difference between proline and threonine. In summary, the available evidence is currently insufficient to determine the role of this variant in disease. Therefore, it has been classified as a Variant of Uncertain Significance. Algorithms developed to predict the effect of missense changes on protein structure and function are either unavailable or do not agree on the potential impact of this missense change (SIFT: "Deleterious"; PolyPhen-2: "Probably Damaging"; Align-GVGD: "Class C0").